The following is an entry in ClinVar:

NM_004364.5(CEBPA):c.913C>G (p.Gln305Glu)

Gene: CEBPA (CCAAT enhancer binding protein alpha; minus strand). Cytogenetic location: 19q13.11.
Variant type: single nucleotide variant.
Coding change: c.913C>G on transcript NM_004364.5 (MANE Select); coding-DNA position 913, C replaced by G.
Protein change: p.Gln305Glu; replaces glutamine 305 with glutamic acid.
Molecular consequence: missense variant.
Genome position (GRCh38, 1-based): chr19:33,301,502, G>C on the plus strand (C>G on the coding strand, the complement: CEBPA is on the minus strand). VCF-style: chr19-33301502-G-C. GRCh37 (hg19) VCF-style: chr19-33792408-G-C.
Other names: c.913C>G (NM_004364.3); c.556C>G, p.Gln186Glu (NM_001285829.2); c.1018C>G, p.Gln340Glu (NM_001287424.2); c.871C>G, p.Gln291Glu (NM_001287435.2); short protein forms Q305E, Q291E, Q340E, Q186E.
Identifiers: ClinVar variation 566890 (VCV000566890.10), dbSNP rs747606716, ClinGen allele CA405273939.

ClinVar aggregate classification (germline): Conflicting classifications of pathogenicity. Review status: criteria provided, conflicting classifications (1 of 4 stars). 2 submissions from 2 submitters: Uncertain significance (1); Likely benign (1). Last evaluated 2025-08-13.

Conditions:
Acute myeloid leukemia (AML). Also called: Leukemia, acute myeloid, somatic; Leukemia, acute myelogenous, somatic; Acute myeloid leukemia, adult; AML adult; Acute non-lymphocytic leukemia; Acute granulocytic leukemia. Identifiers: Orphanet 519, MedGen C0023467, MeSH D015470, MONDO:0018874, OMIM 601626, HP:0004808. Disease mechanism: Constitutively activated FLT3.
Inborn genetic diseases. Identifiers: MedGen C0950123, MeSH D030342.

Submissions (2):

Ambry Genetics
Classification: Likely benign for Inborn genetic diseases. Last evaluated: 2025-08-13. Review status: criteria provided, single submitter. Criteria: Ambry Variant Classification Scheme 2023. Collection method: clinical testing. Allele origin: germline.

Labcorp Genetics (formerly Invitae), Labcorp
Classification: Uncertain significance for Acute myeloid leukemia. Last evaluated: 2018-06-26. Review status: criteria provided, single submitter. Criteria: Invitae Variant Classification Sherloc (09022015). Collection method: clinical testing. Allele origin: germline.
Comment: In summary, the available evidence is currently insufficient to determine the role of this variant in disease. Therefore, it has been classified as a Variant of Uncertain Significance. Algorithms developed to predict the effect of missense changes on protein structure and function are either unavailable or do not agree on the potential impact of this missense change (SIFT: "Tolerated"; PolyPhen-2: "Possibly Damaging"; Align-GVGD: "Class C0"). This variant has not been reported in the literature in individuals with CEBPA-related disease. This variant is not present in population databases (ExAC no frequency). This sequence change replaces glutamine with glutamic acid at codon 305 of the CEBPA protein (p.Gln305Glu). The glutamine residue is moderately conserved and there is a small physicochemical difference between glutamine and glutamic acid.